The following is an entry in ClinVar:

NC_000011.9:g.(?_108154055)_(108160452_?)del

Gene: ATM (ATM serine/threonine kinase; plus strand). Cytogenetic location: 11q22.3.
Variant type: Deletion.
Identifiers: ClinVar variation 3244510 (VCV003244510.1).

ClinVar aggregate classification (germline): Likely pathogenic (1 of 4 stars; one submission).

Conditions:
Ataxia-telangiectasia syndrome (AT). Also called: LOUIS-BAR SYNDROME; Cerebello-oculocutaneous telangiectasia; Immunodeficiency with ataxia telangiectasia; AT, COMPLEMENTATION GROUP C; Ataxia-telangiectasia, complementation group D; ATAXIA-TELANGIECTASIA, COMPLEMENTATION GROUP A. Identifiers: Orphanet 100, MedGen C0004135, MONDO:0008840, OMIM 208900.

Submission:

Labcorp Genetics (formerly Invitae), Labcorp
Classification: Likely pathogenic for Ataxia-telangiectasia syndrome. Last evaluated: 2019-08-12. Review status: criteria provided, single submitter. Criteria: Invitae Variant Classification Sherloc (09022015). Collection method: clinical testing. Allele origin: unknown.
Comment: In summary, the currently available evidence indicates that the variant is pathogenic, but additional data are needed to prove that conclusively. Therefore, this variant has been classified as Likely Pathogenic. Loss-of-function variants in ATM are known to be pathogenic (PMID: 23807571, 25614872). This variant has not been reported in the literature in individuals with ATM-related conditions. This variant results in the deletion of exon(s) 26-28 and part of exon 29 (c.3746+452_4363del) of the ATM gene. It is expected to disrupt RNA splicing and likely results in an absent or disrupted protein product.

Literature cited by the submitters: PubMed 23807571; PubMed 25614872.